The following is an entry in ClinVar:

ClinVar aggregate classification (germline): Uncertain significance (1 of 4 stars; one submission).

Submission:

Labcorp Genetics (formerly Invitae), Labcorp
Classification: Uncertain significance. Last evaluated: 2019-07-30. Review status: criteria provided, single submitter. Criteria: Invitae Variant Classification Sherloc (09022015). Collection method: clinical testing. Allele origin: germline.
Comment: In summary, the available evidence is currently insufficient to determine the role of this variant in disease. Therefore, it has been classified as a Variant of Uncertain Significance. Algorithms developed to predict the effect of missense changes on protein structure and function are either unavailable or do not agree on the potential impact of this missense change (SIFT: "Tolerated"; PolyPhen-2: "Possibly Damaging"; Align-GVGD: "Class C0"). This variant has not been reported in the literature in individuals with PRPF6-related conditions. This variant is not present in population databases (ExAC no frequency). This sequence change replaces glutamic acid with aspartic acid at codon 821 of the PRPF6 protein (p.Glu821Asp). The glutamic acid residue is highly conserved and there is a small physicochemical difference between glutamic acid and aspartic acid.

NM_012469.4(PRPF6):c.2463G>T (p.Glu821Asp)

Gene: PRPF6 (pre-mRNA processing factor 6; plus strand). Cytogenetic location: 20q13.33.
Variant type: single nucleotide variant.
Coding change: c.2463G>T on transcript NM_012469.4 (MANE Select); coding-DNA position 2463, G replaced by T.
Protein change: p.Glu821Asp; replaces glutamic acid 821 with aspartic acid.
Molecular consequence: missense variant.
Genome position (GRCh38, 1-based): chr20:64,029,408, G>T. VCF-style: chr20-64029408-G-T. GRCh37 (hg19) VCF-style: chr20-62660761-G-T.
Other names: short protein forms E821D.
Identifiers: ClinVar variation 958401 (VCV000958401.9), dbSNP rs748690586, ClinGen allele CA409743541.